The following is an entry in ClinVar:

NM_000135.4(FANCA):c.1424C>T (p.Thr475Met)

Gene: FANCA (FA complementation group A; minus strand). Cytogenetic location: 16q24.3.
Variant type: single nucleotide variant.
Coding change: c.1424C>T on transcript NM_000135.4 (MANE Select); coding-DNA position 1424, C replaced by T.
Protein change: p.Thr475Met; replaces threonine 475 with methionine.
Molecular consequence: missense variant.
Genome position (GRCh38, 1-based): chr16:89,784,900, G>A on the plus strand (C>T on the coding strand, the complement: FANCA is on the minus strand). VCF-style: chr16-89784900-G-A. GRCh37 (hg19) VCF-style: chr16-89851308-G-A.
Other names: c.1424C>T (LRG_495t1, NM_000135.3); c.1424C>T, p.Thr475Met (NM_001286167.3); short protein forms T475M.
Identifiers: ClinVar variation 408174 (VCV000408174.13), dbSNP rs761957732, ClinGen allele CA8252339.

ClinVar aggregate classification (germline): Uncertain significance. Review status: criteria provided, multiple submitters, no conflicts (2 of 4 stars). 5 submissions from 5 submitters: Uncertain significance (4). 1 of the submissions does not count toward it. Last evaluated 2024-10-02.

Conditions:
Fanconi anemia (FA). Also called: Fanconi's anemia. Identifiers: Orphanet 84, MedGen C0015625, MeSH D005199, MONDO:0019391.
Fanconi anemia complementation group A (FANCA). Also called: FANCA-Related Fanconi Anemia; Fanconi anemia, group A. Identifiers: Orphanet 84, MedGen C3469521, MONDO:0009215, OMIM 227650.

Allele frequency attached by ClinVar (database versions not stated): gnomAD 0.00003 and 0.00004; TOPMed 0.00003.
gnomAD v4.1: 29 of 1,614,042 alleles (0.0018%); highest among the groups gnomAD compares: Non-Finnish European, 0.0021%; no homozygotes.

Submissions (5):

Quest Diagnostics Nichols Institute San Juan Capistrano
Classification: Uncertain significance. Last evaluated: 2024-10-02. Review status: criteria provided, single submitter. Criteria: Quest Diagnostics criteria. Collection method: clinical testing. Allele origin: unknown.
Comment: The FANCA c.1424C>T (p.Thr475Met) variant has been reported in the published literature in in an individual with cutaneous melanoma (PMID: 29641532 (2018)). This variant has also been identified as a somatic variant in a prostate cancer tumor sample (PMID: 31874108 (2020)). The frequency of this variant in the general population, 0.000023 (3/129160 chromosomes (Genome Aggregation Database)), is uninformative in the assessment of its pathogenicity. Analysis of this variant using bioinformatics tools for the prediction of the effect of amino acid changes on protein structure and function yielded predictions that this variant is benign. Based on the available information, we are unable to determine the clinical significance of this variant.

GeneDx
Classification: Uncertain significance. Last evaluated: 2023-01-18. Review status: criteria provided, single submitter. Criteria: GeneDx Variant Classification Process June 2021. Collection method: clinical testing. Allele origin: germline. Affected: yes.
Comment: Not observed at significant frequency in large population cohorts (gnomAD); In silico analysis supports that this missense variant does not alter protein structure/function; Has not been previously published as pathogenic or benign to our knowledge

Labcorp Genetics (formerly Invitae), Labcorp
Classification: Uncertain significance for Fanconi anemia. Last evaluated: 2022-07-19. Review status: criteria provided, single submitter. Criteria: Invitae Variant Classification Sherloc (09022015). Collection method: clinical testing. Allele origin: germline.
Comment: This sequence change replaces threonine, which is neutral and polar, with methionine, which is neutral and non-polar, at codon 475 of the FANCA protein (p.Thr475Met). This variant is present in population databases (rs761957732, gnomAD 0.002%). This variant has not been reported in the literature in individuals affected with FANCA-related conditions. ClinVar contains an entry for this variant (Variation ID: 408174). Algorithms developed to predict the effect of missense changes on protein structure and function are either unavailable or do not agree on the potential impact of this missense change (SIFT: "Deleterious"; PolyPhen-2: "Possibly Damaging"; Align-GVGD: "Class C0"). In summary, the available evidence is currently insufficient to determine the role of this variant in disease. Therefore, it has been classified as a Variant of Uncertain Significance.

Fulgent Genetics
Classification: Uncertain significance for Fanconi anemia complementation group A. Last evaluated: 2022-02-24. Review status: criteria provided, single submitter. Criteria: ACMG Guidelines, 2015. Collection method: clinical testing. Allele origin: unknown.

Natera, Inc.
Classification: Uncertain significance for Fanconi anemia. Last evaluated: 2020-10-08. Review status: no assertion criteria provided. Collection method: clinical testing. Allele origin: germline. Not counted in ClinVar's aggregate classification.

Literature cited by the submitters: PubMed 29641532 (cited by Quest Diagnostics Nichols Institute San Juan Capistrano); PubMed 31874108 (cited by Quest Diagnostics Nichols Institute San Juan Capistrano).